The following is an entry in ClinVar:

ClinVar aggregate classification (germline): Uncertain significance (1 of 4 stars; one submission).

Conditions:
Cohen syndrome (COH1). Also called: PEPPER SYNDROME; Cutis verticis gyrata, retinitis pigmentosa, and sensorineural deafness. Identifiers: Orphanet 193, MedGen C0265223, MONDO:0008999, OMIM 216550.

Allele frequency attached by ClinVar (database versions not stated): gnomAD exomes below 0.00001.
gnomAD v4.1: 2 of 1,613,308 alleles (0.00012%); highest among the groups gnomAD compares: Non-Finnish European, 0.00017%; no homozygotes.

Submission:

Labcorp Genetics (formerly Invitae), Labcorp
Classification: Uncertain significance for Cohen syndrome. Last evaluated: 2020-08-07. Review status: criteria provided, single submitter. Criteria: Invitae Variant Classification Sherloc (09022015). Collection method: clinical testing. Allele origin: germline.
Comment: This sequence change replaces lysine with threonine at codon 1648 of the VPS13B protein (p.Lys1648Thr). The lysine residue is moderately conserved and there is a moderate physicochemical difference between lysine and threonine. This variant is not present in population databases (ExAC no frequency). In summary, the available evidence is currently insufficient to determine the role of this variant in disease. Therefore, it has been classified as a Variant of Uncertain Significance. Algorithms developed to predict the effect of missense changes on protein structure and function are either unavailable or do not agree on the potential impact of this missense change (SIFT: "Not Available"; PolyPhen-2: "Probably Damaging"; Align-GVGD: "Not Available"). This variant has not been reported in the literature in individuals with VPS13B-related conditions.

NM_152564.5(VPS13B):c.4868A>C (p.Lys1623Thr)

Gene: VPS13B (vacuolar protein sorting 13 homolog B; plus strand). Cytogenetic location: 8q22.2.
Variant type: single nucleotide variant.
Coding change: c.4868A>C on transcript NM_152564.5 (MANE Select); coding-DNA position 4868, A replaced by C.
Protein change: p.Lys1623Thr; replaces lysine 1623 with threonine.
Molecular consequence: missense variant.
Genome position (GRCh38, 1-based): chr8:99,556,572, A>C. VCF-style: chr8-99556572-A-C. GRCh37 (hg19) VCF-style: chr8-100568800-A-C.
Other names: c.4943A>C, p.Lys1648Thr (NM_017890.5); short protein forms K1623T, K1648T.
Identifiers: ClinVar variation 1002275 (VCV001002275.5), dbSNP rs1824576911, ClinGen allele CA371869407.
Genomic context (GRCh38, chr8:99,556,572, plus strand): 5'-AAATAGATCTGCAGTCCATCAATATTGGTACTGCACAGTGGCATCAACTAAAACCAGAGA[A>C]GGAAAGTGTCTCAGGAGGGGTGGTAACAGAGACTGAAAGGAATTCTCAAAATCCAGCCCT-3'
Protein context (NP_689777.3, residues 1613-1633): TAQWHQLKPE[Lys1623Thr]ESVSGGVVTE